The following is an entry in ClinVar:

ClinVar aggregate classification (germline): Benign/Likely benign. Review status: criteria provided, multiple submitters, no conflicts (2 of 4 stars). 5 submissions from 5 submitters: Benign (3); Likely benign (2). Last evaluated 2026-01-14.

Conditions:
Spastic paraplegia. Identifiers: MedGen C0037772, HP:0001258.
Hereditary spastic paraplegia. Also called: Familial spastic paraparesis. Identifiers: Orphanet 685, MedGen C0037773, MONDO:0019064. Disease mechanism: loss of function.
Hereditary spastic paraplegia 13 (SPG13). Also called: SPASTIC PARAPLEGIA 13, AUTOSOMAL DOMINANT; Spastic paraplegia 13. Identifiers: Orphanet 100994, MedGen C1854467, MONDO:0011532, OMIM 605280.

Allele frequency attached by ClinVar (database versions not stated): ESP Exome Variant Server 0.00023; gnomAD 0.00059 and 0.00084; TOPMed 0.00133; ExAC 0.00200; gnomAD exomes 0.00201; 1000 Genomes Project 30x 0.00359; 1000 Genomes Project 0.00419.
gnomAD v4.1: 1,353 of 1,614,204 alleles (0.084%); highest among the groups gnomAD compares: East Asian, 2.7%; 16 homozygotes.

Submissions (5):

Labcorp Genetics (formerly Invitae), Labcorp
Classification: Benign for Spastic paraplegia. Last evaluated: 2026-01-14. Review status: criteria provided, single submitter. Criteria: Invitae Variant Classification Sherloc (09022015). Collection method: clinical testing. Allele origin: germline.

Illumina Laboratory Services, Illumina
Classification: Benign for Hereditary spastic paraplegia 13. Last evaluated: 2018-01-13. Review status: criteria provided, single submitter. Criteria: ICSL Variant Classification Criteria 13 December 2019. Collection method: clinical testing. Allele origin: germline.
Comment: This variant was observed in the ICSL laboratory as part of a predisposition screen in an ostensibly healthy population. It had not been previously curated by ICSL or reported in the Human Gene Mutation Database (HGMD: prior to June 1st, 2018), and was therefore a candidate for classification through an automated scoring system. Utilizing variant allele frequency, disease prevalence and penetrance estimates, and inheritance mode, an automated score was calculated to assess if this variant is too frequent to cause the disease. Based on the score and internal cut-off values, a variant classified as benign is not then subjected to further curation. The score for this variant resulted in a classification of benign for this disease.

Genome Diagnostics Laboratory, The Hospital for Sick Children
Classification: Likely benign for Hereditary spastic paraplegia. Last evaluated: 2016-12-12. Review status: criteria provided, single submitter. Criteria: ACMG Guidelines, 2015. Collection method: clinical testing. Allele origin: germline. Affected: yes.

GeneDx
Classification: Benign. Last evaluated: 2015-09-25. Review status: criteria provided, single submitter. Criteria: GeneDx Variant Classification (06012015). Collection method: clinical testing. Allele origin: germline. Affected: yes.
Comment: This variant is considered likely benign or benign based on one or more of the following criteria: it is a conservative change, it occurs at a poorly conserved position in the protein, it is predicted to be benign by multiple in silico algorithms, and/or has population frequency not consistent with disease.

Breakthrough Genomics
Classification: Likely benign. Review status: criteria provided, single submitter. Criteria: ACMG Guidelines, 2015. Collection method: not provided. Allele origin: germline. Inheritance: Autosomal recessive inheritance. Affected: yes.

NM_002156.5(HSPD1):c.18A>G (p.Thr6=)

Gene: HSPD1 (heat shock protein family D (Hsp60) member 1; minus strand). Cytogenetic location: 2q33.1.
Variant type: single nucleotide variant.
Coding change: c.18A>G on transcript NM_002156.5 (MANE Select); coding-DNA position 18, A replaced by G.
Protein change: p.Thr6=; no amino-acid change (threonine 6 retained).
Molecular consequence: synonymous variant.
Genome position (GRCh38, 1-based): chr2:197,498,831, T>C on the plus strand (A>G on the coding strand, the complement: HSPD1 is on the minus strand). VCF-style: chr2-197498831-T-C. GRCh37 (hg19) VCF-style: chr2-198363555-T-C.
Other names: c.18A>G, p.Thr6= (NM_199440.2).
Identifiers: ClinVar variation 333313 (VCV000333313.19), dbSNP rs79630442, ClinGen allele CA2043706.